The following is an entry in ClinVar:

ClinVar aggregate classification (germline): Uncertain significance (1 of 4 stars; one submission).

Allele frequency attached by ClinVar (database versions not stated): gnomAD exomes below 0.00001; TOPMed below 0.00001; gnomAD 0.00001.
gnomAD v4.1: 3 of 1,612,804 alleles (0.00019%); highest among the groups gnomAD compares: Non-Finnish European, 0.00025%; no homozygotes.

Submission:

Labcorp Genetics (formerly Invitae), Labcorp
Classification: Uncertain significance. Last evaluated: 2023-04-28. Review status: criteria provided, single submitter. Criteria: Invitae Variant Classification Sherloc (09022015). Collection method: clinical testing. Allele origin: germline.
Comment: In summary, the available evidence is currently insufficient to determine the role of this variant in disease. Therefore, it has been classified as a Variant of Uncertain Significance. An algorithm developed to predict the effect of missense changes on protein structure and function (PolyPhen-2) suggests that this variant is likely to be tolerated. This variant has not been reported in the literature in individuals affected with CASZ1-related conditions. This variant is present in population databases (no rsID available, gnomAD 0.002%). This sequence change replaces glutamic acid, which is acidic and polar, with lysine, which is basic and polar, at codon 65 of the CASZ1 protein (p.Glu65Lys).

NM_001079843.3(CASZ1):c.193G>A (p.Glu65Lys)

Gene: CASZ1 (castor zinc finger 1; minus strand). Cytogenetic location: 1p36.22.
Variant type: single nucleotide variant.
Coding change: c.193G>A on transcript NM_001079843.3 (MANE Select); coding-DNA position 193, G replaced by A.
Protein change: p.Glu65Lys; replaces glutamic acid 65 with lysine.
Molecular consequence: missense variant.
Genome position (GRCh38, 1-based): chr1:10,665,395, C>T on the plus strand (G>A on the coding strand, the complement: CASZ1 is on the minus strand). VCF-style: chr1-10665395-C-T. GRCh37 (hg19) VCF-style: chr1-10725452-C-T.
Other names: c.193G>A, p.Glu65Lys (NM_017766.5); short protein forms E65K.
Identifiers: ClinVar variation 2994814 (VCV002994814.3), dbSNP rs1476630479, ClinGen allele CA338383364.